The following is an entry in ClinVar:

ClinVar aggregate classification (germline): Likely benign. Review status: criteria provided, multiple submitters, no conflicts (2 of 4 stars). 4 submissions from 4 submitters: Likely benign (4). Last evaluated 2025-08-18.

Conditions:
Wilson disease (WND). Also called: Wilson's disease. Identifiers: Orphanet 905, MedGen C0019202, MONDO:0010200, OMIM 277900. Disease mechanism: loss of function.

gnomAD v4.1: 6 of 1,614,194 alleles (0.00037%); highest among the groups gnomAD compares: Non-Finnish European, 0.00042%; no homozygotes.

Submissions (4):

Labcorp Genetics (formerly Invitae), Labcorp
Classification: Likely benign for Wilson disease. Last evaluated: 2025-08-18. Review status: criteria provided, single submitter. Criteria: Invitae Variant Classification Sherloc (09022015). Collection method: clinical testing. Allele origin: germline.

Blueprint Genetics
Classification: Likely benign. Last evaluated: 2024-10-01. Review status: criteria provided, single submitter. Criteria: ACMG Guidelines, 2015. Collection method: clinical testing. Allele origin: germline.

All of Us Research Program, National Institutes of Health
Classification: Likely benign for Wilson disease. Last evaluated: 2023-12-13. Review status: criteria provided, single submitter. Criteria: ACMG Guidelines, 2015. Collection method: clinical testing. Allele origin: germline. Inheritance: Autosomal recessive inheritance. Observed: 1 variant allele, 1 heterozygote.
Comment: This study involves interpretation of variants in research participants for the purpose of population health screening. Participant phenotype was not available at the time of variant classification. Additional details can be found in publication PMID: 35346344, PMCID: PMC8962531

Color Diagnostics, LLC DBA Color Health
Classification: Likely benign for Wilson disease. Last evaluated: 2023-11-01. Review status: criteria provided, single submitter. Criteria: ACMG Guidelines, 2015. Collection method: clinical testing. Allele origin: germline.

NM_000053.4(ATP7B):c.33A>G (p.Arg11=)

Gene: ATP7B (ATPase copper transporting beta; minus strand). Cytogenetic location: 13q14.3.
Variant type: single nucleotide variant.
Coding change: c.33A>G on transcript NM_000053.4 (MANE Select); coding-DNA position 33, A replaced by G.
Protein change: p.Arg11=; no amino-acid change (arginine 11 retained).
Molecular consequence: synonymous variant.
Genome position (GRCh38, 1-based): chr13:52,011,305, T>C on the plus strand (A>G on the coding strand, the complement: ATP7B is on the minus strand). VCF-style: chr13-52011305-T-C. GRCh37 (hg19) VCF-style: chr13-52585441-T-C.
Other names: c.33A>G, p.Arg11= (NM_001005918.3, NM_001243182.2, NM_001330578.2 and 1 more transcripts).
Identifiers: ClinVar variation 1613808 (VCV001613808.10), dbSNP rs753613009, ClinGen allele CA6989714.